The following is an entry in ClinVar:

NM_014994.3(MAPKBP1):c.436G>A (p.Ala146Thr)

Gene: MAPKBP1 (mitogen-activated protein kinase binding protein 1; plus strand). Cytogenetic location: 15q15.1.
Variant type: single nucleotide variant.
Coding change: c.436G>A on transcript NM_014994.3 (MANE Select); coding-DNA position 436, G replaced by A.
Protein change: p.Ala146Thr; replaces alanine 146 with threonine.
Molecular consequence: missense variant. On other transcripts: non-coding transcript variant (2).
Genome position (GRCh38, 1-based): chr15:41,812,065, G>A. VCF-style: chr15-41812065-G-A. GRCh37 (hg19) VCF-style: chr15-42104263-G-A.
Other names: c.436G>A, p.Ala146Thr (NM_001128608.2, NM_001265611.2); short protein forms A146T.
Identifiers: ClinVar variation 2220023 (VCV002220023.6), dbSNP rs759447759, ClinGen allele CA7497561.

ClinVar aggregate classification (germline): Uncertain significance. Review status: criteria provided, multiple submitters, no conflicts (2 of 4 stars). 2 submissions from 2 submitters: Uncertain significance (2). Last evaluated 2024-09-30.

Conditions:
Inborn genetic diseases. Identifiers: MedGen C0950123, MeSH D030342.

Allele frequency attached by ClinVar (database versions not stated): gnomAD 0.00003.
gnomAD v4.1: 22 of 1,613,964 alleles (0.0014%); highest among the groups gnomAD compares: Middle Eastern, 0.016%; 1 homozygote.

Submissions (2):

Ambry Genetics
Classification: Uncertain significance for Inborn genetic diseases. Last evaluated: 2024-09-30. Review status: criteria provided, single submitter. Criteria: Ambry Variant Classification Scheme 2023. Collection method: clinical testing. Allele origin: germline.

Labcorp Genetics (formerly Invitae), Labcorp
Classification: Uncertain significance. Last evaluated: 2023-10-09. Review status: criteria provided, single submitter. Criteria: Invitae Variant Classification Sherloc (09022015). Collection method: clinical testing. Allele origin: germline.
Comment: This sequence change replaces alanine, which is neutral and non-polar, with threonine, which is neutral and polar, at codon 146 of the MAPKBP1 protein (p.Ala146Thr). This variant is present in population databases (rs759447759, gnomAD 0.006%). This variant has not been reported in the literature in individuals affected with MAPKBP1-related conditions. ClinVar contains an entry for this variant (Variation ID: 2220023). An algorithm developed to predict the effect of missense changes on protein structure and function (PolyPhen-2) suggests that this variant is likely to be tolerated. In summary, the available evidence is currently insufficient to determine the role of this variant in disease. Therefore, it has been classified as a Variant of Uncertain Significance.